The following is an entry in ClinVar:

NM_005961.3(MUC6):c.4401C>T (p.His1467=)

Gene: MUC6 (mucin 6, oligomeric mucus/gel-forming (gene/pseudogene); minus strand). Cytogenetic location: 11p15.5.
Variant type: single nucleotide variant.
Coding change: c.4401C>T on transcript NM_005961.3 (MANE Select); coding-DNA position 4401, C replaced by T.
Protein change: p.His1467=; no amino-acid change (histidine 1467 retained).
Molecular consequence: synonymous variant.
Genome position (GRCh38, 1-based): chr11:1,018,400, G>A on the plus strand (C>T on the coding strand, the complement: MUC6 is on the minus strand). VCF-style: chr11-1018400-G-A. GRCh37 (hg19) VCF-style: chr11-1018400-G-A.
Identifiers: ClinVar variation 2641109 (VCV002641109.24), dbSNP rs748438008, ClinGen allele CA5796153.

ClinVar aggregate classification (germline): Likely benign (1 of 4 stars; one submission).

Allele frequency attached by ClinVar (database versions not stated): ExAC 0.00006; 1000 Genomes Project 30x 0.00921.

Submission:

CeGaT Center for Human Genetics Tuebingen
Classification: Likely benign. Last evaluated: 2023-08-01. Review status: criteria provided, single submitter. Criteria: CeGaT Center For Human Genetics Tuebingen Variant Classification Criteria Version 2. Collection method: clinical testing. Allele origin: germline. Affected: yes. Observed: 1 variant allele.
Comment: MUC6: BP4, BP7